The following is an entry in ClinVar:

NM_000210.4(ITGA6):c.1640A>G (p.Lys547Arg)

Genes: ITGA6 (integrin subunit alpha 6; plus strand), PDK1-AS1 (PDK1 and ITGA6 antisense RNA 1; minus strand). Cytogenetic location: 2q31.1.
Variant type: single nucleotide variant.
Coding change: c.1640A>G on transcript NM_000210.4 (MANE Select); coding-DNA position 1640, A replaced by G.
Protein change: p.Lys547Arg; replaces lysine 547 with arginine.
Molecular consequence: missense variant.
Genome position (GRCh38, 1-based): chr2:172,484,872, A>G. VCF-style: chr2-172484872-A-G. GRCh37 (hg19) VCF-style: chr2-173349600-A-G.
Other names: c.1640A>G, p.Lys547Arg (NM_001079818.3, NM_001365529.2, NM_001365530.2); c.1283A>G, p.Lys428Arg (NM_001316306.2); c.1757A>G, p.Lys586Arg (NM_001394928.1); c.1640A>G (NM_000210.2); short protein forms K547R, K586R, K428R.
Identifiers: ClinVar variation 1921596 (VCV001921596.3), dbSNP rs768083494, ClinGen allele CA1968192.

ClinVar aggregate classification (germline): Uncertain significance. Review status: criteria provided, multiple submitters, no conflicts (2 of 4 stars). 2 submissions from 2 submitters: Uncertain significance (2). Last evaluated 2024-05-14.

Conditions:
Inborn genetic diseases. Identifiers: MedGen C0950123, MeSH D030342.

Allele frequency attached by ClinVar (database versions not stated): ExAC 0.00001; gnomAD 0.00001; gnomAD exomes 0.00001; TOPMed 0.00002.
gnomAD v4.1: 17 of 1,614,054 alleles (0.0011%); highest among the groups gnomAD compares: East Asian, 0.0045%; no homozygotes.

Submissions (2):

Ambry Genetics
Classification: Uncertain significance for Inborn genetic diseases. Last evaluated: 2024-05-14. Review status: criteria provided, single submitter. Criteria: Ambry Variant Classification Scheme 2023. Collection method: clinical testing. Allele origin: germline.

Labcorp Genetics (formerly Invitae), Labcorp
Classification: Uncertain significance. Last evaluated: 2022-05-01. Review status: criteria provided, single submitter. Criteria: Invitae Variant Classification Sherloc (09022015). Collection method: clinical testing. Allele origin: germline.
Comment: This sequence change replaces lysine, which is basic and polar, with arginine, which is basic and polar, at codon 547 of the ITGA6 protein (p.Lys547Arg). This variant is present in population databases (rs768083494, gnomAD 0.006%). This variant has not been reported in the literature in individuals affected with ITGA6-related conditions. Algorithms developed to predict the effect of missense changes on protein structure and function output the following: SIFT: "Tolerated"; PolyPhen-2: "Benign"; Align-GVGD: "Class C0". The arginine amino acid residue is found in multiple mammalian species, which suggests that this missense change does not adversely affect protein function. In summary, the available evidence is currently insufficient to determine the role of this variant in disease. Therefore, it has been classified as a Variant of Uncertain Significance.